The following is an entry in ClinVar:

NM_001144967.3(NEDD4L):c.101A>G (p.Lys34Arg)

Gene: NEDD4L (NEDD4 like E3 ubiquitin protein ligase; plus strand). Cytogenetic location: 18q21.31.
Variant type: single nucleotide variant.
Coding change: c.101A>G on transcript NM_001144967.3 (MANE Select); coding-DNA position 101, A replaced by G.
Protein change: p.Lys34Arg; replaces lysine 34 with arginine.
Molecular consequence: missense variant. On other transcripts: 5 prime UTR variant (3).
Genome position (GRCh38, 1-based): chr18:58,165,840, A>G. VCF-style: chr18-58165840-A-G. GRCh37 (hg19) VCF-style: chr18-55833072-A-G.
Other names: c.-263A>G (NM_001144964.1, NM_001144965.2); c.77A>G, p.Lys26Arg (NM_001144968.2, NM_001144969.2); c.-341A>G (NM_001144971.2); c.101A>G, p.Lys34Arg (NM_001243960.2, NM_015277.6); short protein forms K26R, K34R.
Identifiers: ClinVar variation 2097618 (VCV002097618.4), dbSNP rs2146618039, ClinGen allele CA402715306.

ClinVar aggregate classification (germline): Uncertain significance (1 of 4 stars; one submission).

Allele frequency attached by ClinVar (database versions not stated): gnomAD exomes below 0.00001.
gnomAD v4.1: 1 of 1,610,426 alleles (0.000062%); highest among the groups gnomAD compares: South Asian, 0.0011%; no homozygotes.

Submission:

Labcorp Genetics (formerly Invitae), Labcorp
Classification: Uncertain significance. Last evaluated: 2022-02-14. Review status: criteria provided, single submitter. Criteria: Invitae Variant Classification Sherloc (09022015). Collection method: clinical testing. Allele origin: germline.
Comment: This sequence change replaces lysine, which is basic and polar, with arginine, which is basic and polar, at codon 34 of the NEDD4L protein (p.Lys34Arg). This variant is not present in population databases (gnomAD no frequency). This variant has not been reported in the literature in individuals affected with NEDD4L-related conditions. Algorithms developed to predict the effect of missense changes on protein structure and function are either unavailable or do not agree on the potential impact of this missense change (SIFT: "Tolerated"; PolyPhen-2: "Possibly Damaging"; Align-GVGD: "Class C0"). Algorithms developed to predict the effect of sequence changes on RNA splicing suggest that this variant may create or strengthen a splice site. In summary, the available evidence is currently insufficient to determine the role of this variant in disease. Therefore, it has been classified as a Variant of Uncertain Significance.